The following is an entry in ClinVar:

ClinVar aggregate classification (germline): Uncertain significance (1 of 4 stars; one submission).

gnomAD v4.1: 1 of 1,614,202 alleles (0.000062%); no homozygotes.

Submission:

GeneDx
Classification: Uncertain significance. Last evaluated: 2025-06-03. Review status: criteria provided, single submitter. Criteria: GeneDx Variant Classification Process June 2021. Collection method: clinical testing. Allele origin: germline. Affected: yes.
Comment: Not observed at significant frequency in large population cohorts (gnomAD); In silico analysis supports that this missense variant has a deleterious effect on protein structure/function; Has not been previously published as pathogenic or benign to our knowledge

NM_006885.4(ZFHX3):c.1703A>T (p.Asn568Ile)

Gene: ZFHX3 (zinc finger homeobox 3; minus strand). Cytogenetic location: 16q22.3.
Variant type: single nucleotide variant.
Coding change: c.1703A>T on transcript NM_006885.4 (MANE Select); coding-DNA position 1703, A replaced by T.
Protein change: p.Asn568Ile; replaces asparagine 568 with isoleucine.
Molecular consequence: missense variant. On other transcripts: intron variant (1).
Genome position (GRCh38, 1-based): chr16:72,958,443, T>A on the plus strand (A>T on the coding strand, the complement: ZFHX3 is on the minus strand). VCF-style: chr16-72958443-T-A. GRCh37 (hg19) VCF-style: chr16-72992342-T-A.
Other names: c.1703A>T, p.Asn568Ile (NM_001386735.1); c.-23-7478A>T (NM_001164766.2); short protein forms N568I.
Identifiers: ClinVar variation 4536389 (VCV004536389.1).